The following is an entry in ClinVar:

NM_000051.4(ATM):c.3329C>T (p.Ala1110Val)

Gene: ATM (ATM serine/threonine kinase; plus strand). Cytogenetic location: 11q22.3.
Variant type: single nucleotide variant.
Coding change: c.3329C>T on transcript NM_000051.4 (MANE Select); coding-DNA position 3329, C replaced by T.
Protein change: p.Ala1110Val; replaces alanine 1110 with valine.
Molecular consequence: missense variant.
Genome position (GRCh38, 1-based): chr11:108,279,535, C>T. VCF-style: chr11-108279535-C-T. GRCh37 (hg19) VCF-style: chr11-108150262-C-T.
Other names: c.3329C>T, p.Ala1110Val (NM_001351834.2); short protein forms A1110V.
Identifiers: ClinVar variation 1488735 (VCV001488735.9), dbSNP rs1479434069, ClinGen allele CA382517552.

ClinVar aggregate classification (germline): Uncertain significance. Review status: criteria provided, multiple submitters, no conflicts (2 of 4 stars). 2 submissions from 2 submitters: Uncertain significance (2). Last evaluated 2023-05-23.

Conditions:
Familial cancer of breast. Also called: BREAST CANCER, FAMILIAL; Hereditary breast cancer; hereditary breast carcinoma. Identifiers: Orphanet 227535, MedGen C0346153, MONDO:0016419, OMIM 114480. Disease mechanism: loss of function.
Ataxia-telangiectasia syndrome (AT). Also called: LOUIS-BAR SYNDROME; Ataxia-telangiectasia; Cerebello-oculocutaneous telangiectasia; Immunodeficiency with ataxia telangiectasia; ATAXIA-TELANGIECTASIA, COMPLEMENTATION GROUP A; ATAXIA-TELANGIECTASIA, FRESNO VARIANT. Identifiers: Orphanet 100, MedGen C0004135, MONDO:0008840, OMIM 208900.

Allele frequency attached by ClinVar (database versions not stated): gnomAD exomes below 0.00001.
gnomAD v4.1: 1 of 1,613,654 alleles (0.000062%); highest among the groups gnomAD compares: Admixed American, 0.0017%; no homozygotes.

Submissions (2):

Baylor Genetics
Classification: Uncertain significance for Familial cancer of breast. Last evaluated: 2023-05-23. Review status: criteria provided, single submitter. Criteria: ACMG Guidelines, 2015. Collection method: clinical testing. Allele origin: unknown.

Labcorp Genetics (formerly Invitae), Labcorp
Classification: Uncertain significance for Ataxia-telangiectasia syndrome. Last evaluated: 2021-08-07. Review status: criteria provided, single submitter. Criteria: Invitae Variant Classification Sherloc (09022015). Collection method: clinical testing. Allele origin: germline.
Comment: In summary, the available evidence is currently insufficient to determine the role of this variant in disease. Therefore, it has been classified as a Variant of Uncertain Significance. Algorithms developed to predict the effect of sequence changes on RNA splicing suggest that this variant may create or strengthen a splice site. Advanced modeling of protein sequence and biophysical properties (such as structural, functional, and spatial information, amino acid conservation, physicochemical variation, residue mobility, and thermodynamic stability) performed at Invitae indicates that this missense variant is not expected to disrupt ATM protein function. This variant has not been reported in the literature in individuals affected with ATM-related conditions. This variant is not present in population databases (ExAC no frequency). This sequence change replaces alanine with valine at codon 1110 of the ATM protein (p.Ala1110Val). The alanine residue is weakly conserved and there is a small physicochemical difference between alanine and valine.